The following is an entry in ClinVar:

NM_001199397.3(NEK1):c.2977C>G (p.Pro993Ala)

Gene: NEK1 (NIMA related kinase 1; minus strand). Cytogenetic location: 4q33.
Variant type: single nucleotide variant.
Coding change: c.2977C>G on transcript NM_001199397.3 (MANE Select); coding-DNA position 2977, C replaced by G.
Protein change: p.Pro993Ala; replaces proline 993 with alanine.
Molecular consequence: missense variant. On other transcripts: non-coding transcript variant (1).
Genome position (GRCh38, 1-based): chr4:169,424,798, G>C on the plus strand (C>G on the coding strand, the complement: NEK1 is on the minus strand). VCF-style: chr4-169424798-G-C. GRCh37 (hg19) VCF-style: chr4-170345949-G-C.
Other names: c.2845C>G, p.Pro949Ala (NM_001199398.3); c.2686C>G, p.Pro896Ala (NM_001199399.3); c.2761C>G, p.Pro921Ala (NM_001199400.3); c.2977C>G, p.Pro993Ala (NM_001374418.1); c.2893C>G, p.Pro965Ala (NM_001374419.1, NM_012224.4); c.2842C>G, p.Pro948Ala (NM_001374420.1); c.2494C>G, p.Pro832Ala (NM_001374421.1); short protein forms P832A, P896A, P921A, P948A, P949A, P965A, P993A.
Identifiers: ClinVar variation 1702469 (VCV001702469.8), dbSNP rs745888585, ClinGen allele CA3137262.
Genomic context (GRCh38, chr4:169,424,798, plus strand): 5'-GTTCCGGTTGCACAGACTTATCTACATCACATTTAGAGTGCTGAGAATCATTGGTTCCAG[G>C]CTCTGTGGTAGAAAGGAGAGATTATGTGGTAAGTCTATACAGTACTTAAAGTTCTAAATG-3'
Protein context (NP_001186326.1, residues 983-1003): VDQLSDIHIE[Pro993Ala]GTNDSQHSKC

ClinVar aggregate classification (germline): Uncertain significance. Review status: criteria provided, multiple submitters, no conflicts (2 of 4 stars). 5 submissions from 5 submitters: Uncertain significance (5). Last evaluated 2025-08-04.

Conditions:
Connective tissue disorder. Also called: Connective tissue disease. Identifiers: MedGen C0009782, MONDO:0003900.
Short-rib thoracic dysplasia 6 with or without polydactyly (SRTD6). Also called: POLYDACTYLY WITH NEONATAL CHONDRODYSTROPHY, TYPE II; SHORT RIB-POLYDACTYLY SYNDROME, TYPE IIA; Majewski Syndrome; SHORT-RIB THORACIC DYSPLASIA 6 WITH POLYDACTYLY; SHORT-RIB THORACIC DYSPLASIA 6 WITHOUT POLYDACTYLY. Identifiers: MedGen C0024507, MONDO:0009894, OMIM 263520.
NEK1-related disorder. Also called: NEK1-related condition.
Inborn genetic diseases. Identifiers: MedGen C0950123, MeSH D030342.

Allele frequency attached by ClinVar (database versions not stated): ExAC 0.00002; gnomAD exomes 0.00002 and 0.00004; TOPMed 0.00003; gnomAD 0.00004.
gnomAD v4.1: 68 of 1,602,532 alleles (0.0042%); highest among the groups gnomAD compares: Non-Finnish European, 0.0052%; no homozygotes.

Submissions (5):

Labcorp Genetics (formerly Invitae), Labcorp
Classification: Uncertain significance for Short-rib thoracic dysplasia 6 with or without polydactyly. Last evaluated: 2025-08-04. Review status: criteria provided, single submitter. Criteria: Invitae Variant Classification Sherloc (09022015). Collection method: clinical testing. Allele origin: germline.
Comment: This sequence change replaces proline, which is neutral and non-polar, with alanine, which is neutral and non-polar, at codon 965 of the NEK1 protein (p.Pro965Ala). This variant is present in population databases (rs745888585, gnomAD 0.006%). This variant has not been reported in the literature in individuals affected with NEK1-related conditions. ClinVar contains an entry for this variant (Variation ID: 1702469). An algorithm developed to predict the effect of missense changes on protein structure and function (PolyPhen-2) suggests that this variant is likely to be tolerated. In summary, the available evidence is currently insufficient to determine the role of this variant in disease. Therefore, it has been classified as a Variant of Uncertain Significance.

Ambry Genetics
Classification: Uncertain significance for Inborn genetic diseases. Last evaluated: 2024-12-04. Review status: criteria provided, single submitter. Criteria: Ambry Variant Classification Scheme 2023. Collection method: clinical testing. Allele origin: germline.

Blueprint Genetics
Classification: Uncertain significance. Last evaluated: 2024-09-25. Review status: criteria provided, single submitter. Criteria: ACMG Guidelines, 2015. Collection method: clinical testing. Allele origin: germline.

PreventionGenetics, part of Exact Sciences
Classification: Uncertain significance for NEK1-related condition. Last evaluated: 2023-06-15. Review status: criteria provided, single submitter. Criteria: ACMG Guidelines, 2015. Collection method: clinical testing. Allele origin: germline.
Comment: The NEK1 c.2893C>G variant is predicted to result in the amino acid substitution p.Pro965Ala. To our knowledge, this variant has not been reported in the literature. This variant is reported in 0.0055% of alleles in individuals of European (Non-Finnish) descent in gnomAD. At this time, the clinical significance of this variant is uncertain due to the absence of conclusive functional and genetic evidence.

Genome Diagnostics Laboratory, The Hospital for Sick Children
Classification: Uncertain significance for Connective tissue disorder. Last evaluated: 2019-02-01. Review status: criteria provided, single submitter. Criteria: ACMG Guidelines, 2015. Collection method: clinical testing. Allele origin: germline.